The following is an entry in ClinVar:

ClinVar aggregate classification (germline): Likely pathogenic. Review status: reviewed by expert panel (3 of 4 stars). 6 submissions from 6 submitters: Likely pathogenic (1). 5 of the submissions do not count toward it. Last evaluated 2025-12-02.

Conditions:
Hereditary breast ovarian cancer syndrome. Also called: Hereditary breast and ovarian cancer syndrome (HBOC); Hereditary breast and ovarian cancer; BRCA1- and BRCA2-Associated Hereditary Breast and Ovarian Cancer; Breast and ovarian cancer; Hereditary breast and ovarian cancer syndrome; Hereditary breast and/or ovarian cancer syndrome. Identifiers: Orphanet 145, MedGen C0677776, MeSH D061325, MONDO:0003582. Disease mechanism: loss of function.
BRCA1-related cancer predisposition. Identifiers: MedGen CN377757, MONDO:0700268.
Hereditary cancer-predisposing syndrome. Also called: Hereditary neoplastic syndrome; Tumor predisposition; Hereditary Cancer Syndrome; Neoplastic Syndromes, Hereditary. Identifiers: Orphanet 140162, MedGen C0027672, MeSH D009386, MONDO:0015356.

Submissions (7):

ClinGen ENIGMA BRCA1 and BRCA2 Variant Curation Expert Panel, ClinGen
Classification: Likely pathogenic for BRCA1-related cancer predisposition. Last evaluated: 2025-12-02. Review status: reviewed by expert panel. Criteria: CSpec BRCA12ACMG Rules Specifications V1.1. Collection method: curation. Allele origin: germline. Inheritance: Autosomal dominant inheritance.
Comment: The c.5152T>G variant in BRCA1 is a missense variant predicted to cause substitution of Tryptophane by Glycine at amino acid 1718 (p.(Trp1718Gly)). This variant is absent from gnomAD v2.1 (exomes only, non-cancer subset, read depth ≥25) and gnomAD v3.1 (non-cancer subset, read depth ≥25) (PM2_Supporting met). Reported by one calibrated study to exhibit protein function similar to pathogenic control variants (PMID: 30209399) (PS3 met). This BRCA1 missense variant is within a key functional domain and a SpliceAI score of 0 predicts no impact on splicing (score threshold ≤0.1). The computational predictor BayesDel (noAF) gives a score of 0.526, above the recommended threshold of 0.28 for prediction of impact on BRCA1 function via protein change (PP3 met). In summary, this variant meets the criteria to be classified as a Likely pathogenic variant for BRCA1-related cancer predisposition based on the ACMG/AMP criteria applied as specified by the ENIGMA BRCA1/2 VCEP (PM2_Supporting, PS3, PP3).

Ambry Genetics
Classification: Likely pathogenic for Hereditary cancer-predisposing syndrome. Last evaluated: 2025-09-05. Review status: criteria provided, single submitter. Criteria: Ambry Variant Classification Scheme 2023. Collection method: clinical testing. Allele origin: germline. Not counted in ClinVar's aggregate classification.
Comment: The p.W1718G variant (also known as c.5152T>G), located in coding exon 16 of the BRCA1 gene, results from a T to G substitution at nucleotide position 5152. The amino acid change results in tryptophan to glycine at codon 1718, an amino acid with highly dissimilar properties. This variant was reported in 1/60,466 breast cancer cases and in 0/53,461 controls (Dorling et al. N Engl J Med. 2021 02;384:428-439). One functional study found that this nucleotide substitution is non-functional in a high-throughput, genome editing, haploid cell survival assay (Findlay GM et al. Nature, 2018 10;562:217-222). This variant is considered to be rare based on population cohorts in the Genome Aggregation Database (gnomAD). This amino acid position is highly conserved in available vertebrate species. In addition, as a missense, this alteration is predicted to be deleterious by in silico analysis. This change also occurs in the last base pair of coding exon 16, which makes it likely to have some effect on normal mRNA splicing. However, in silico splice site analysis predicts that this alteration will not have any significant effect on splicing. Based on the majority of available evidence to date, this variant is likely to be pathogenic.

Labcorp Genetics (formerly Invitae), Labcorp
Classification: Pathogenic for Hereditary breast ovarian cancer syndrome. Last evaluated: 2025-03-31. Review status: criteria provided, single submitter. Criteria: Invitae Variant Classification Sherloc (09022015). Collection method: clinical testing. Allele origin: germline. Not counted in ClinVar's aggregate classification.
Comment: This sequence change replaces tryptophan, which is neutral and slightly polar, with glycine, which is neutral and non-polar, at codon 1718 of the BRCA1 protein (p.Trp1718Gly). This variant is not present in population databases (gnomAD no frequency). This variant has not been reported in the literature in individuals affected with BRCA1-related conditions. ClinVar contains an entry for this variant (Variation ID: 627968). An algorithm developed to predict the effect of missense changes on protein structure and function (PolyPhen-2) suggests that this variant is likely to be tolerated. Experimental studies have shown that this missense change affects BRCA1 function (PMID: 30209399). This variant disrupts the p.Trp1718 amino acid residue in BRCA1. Other variant(s) that disrupt this residue have been determined to be pathogenic (PMID: 12491487, 15172985, 23683081, 25452441, 26153499, 30287823, 31112363). This suggests that this residue is clinically significant, and that variants that disrupt this residue are likely to be disease-causing. For these reasons, this variant has been classified as Pathogenic.

Women's Health and Genetics/Laboratory Corporation of America, LabCorp
Classification: Likely pathogenic for Hereditary breast ovarian cancer syndrome. Last evaluated: 2021-04-18. Review status: criteria provided, single submitter. Criteria: LabCorp Variant Classification Summary - May 2015. Collection method: clinical testing. Allele origin: germline. Not counted in ClinVar's aggregate classification.
Comment: Variant summary: BRCA1 c.5152T>G (p.Trp1718Gly) results in a non-conservative amino acid change located in the BRCT domain (IPR001357) of the encoded protein sequence. Three of five in-silico tools predict a damaging effect of the variant on protein function. BRCT domain is highly conserved and known to interact with multiple phospho-proteins in facilitating the tumor suppression function of BRCA1 (Sinha_2021). Other pathogenic variants in the BRCT domain have been reported. However, a computational study utilizing molecular dynamic simulation to classify VUS in the BRCT domain of BRCA1 reported this change as tolerated (Singh_2020). This variant also alters the last nucleotide of exon 17 adjacent to the canonical splice donor site. 4/4 computational tools predict no significant impact on normal splicing. However, these predictions have yet to be confirmed by functional studies. The variant was absent in 251212 control chromosomes. c.5152T>G has been reported in the literature in at-least one individual affected with breast cancer in a large study that used a panel of 34 putative susceptibility genes to perform sequencing on 60,466 women with breast cancer and 53,461 controls (example, Dorling_2021). These data do not allow unequivocal conclusions about variant significance. At least one publication reports experimental evidence evaluating an impact on protein function. The most pronounced variant effect results in a loss of HDR activity (example, Findlay_2018). Three clinical diagnostic laboratories have submitted clinical-significance assessments for this variant to ClinVar after 2014 without evidence for independent evaluation. All laboratories classified the variant as uncertain significance. At-least one submitter cites overlapping functional evidence utilized in the context of this evaluation. Based on the evidence outlined above, the variant was classified as likely pathogenic.

Sema4
Classification: Likely pathogenic for Hereditary cancer-predisposing syndrome. Last evaluated: 2020-09-25. Review status: criteria provided, single submitter. Criteria: Sema4 Curation Guidelines. Collection method: curation. Allele origin: germline. Not counted in ClinVar's aggregate classification.
Comment: The BRCA1 c.5152T>G (p.W1718G) variant has not been reported to our knowledge. Other variants at this codon (p.W1718C, p.W1718L and p.W1718S) have been reported in families with breast and ovarian cancer (PMID: 29339979, 23613828, 23683081). Moreover, functional studies have shown that variants affecting residue 1718, including c.5152T>G (p.W1718G), alter protein function (PMID: 30209399). This variant is located in the BRCT domain, a region known to interact with multiple other proteins (PMID: 25701377). This variant is not reported in the Genome Aggregation Database (PMID: 27535533). Based on the current evidence available, this variant is interpreted as likely pathogenic.

Brotman Baty Institute, University of Washington
No classification provided (evidence only). Condition: Breast-ovarian cancer, familial 1. Review status: no classification provided. Collection method: in vitro. Allele origin: not applicable. Functional consequence: functionally_abnormal. Not counted in ClinVar's aggregate classification.
ClinVar note: "not provided" was previously submitted as the classification for the variant. However, the classification appeared to be based only on an observation of functional data so it was converted to no classification on 2025-07-30.

Color Diagnostics, LLC DBA Color Health
Classification: Uncertain significance for Hereditary cancer-predisposing syndrome. Last evaluated: 2019-03-14. Review status: flagged submission. Criteria: ACMG Guidelines, 2015. Collection method: clinical testing. Allele origin: germline. Not counted in ClinVar's aggregate classification.
ClinVar note: Reason: Conflicts with expert reviewed submission without evidence to support different classification

Literature cited by the submitters: PubMed 30209399 (cited by 4 submitters); PubMed 33471991 (cited by Ambry Genetics and Women's Health and Genetics/Laboratory Corporation of America, LabCorp); PubMed 12491487 (cited by Labcorp Genetics (formerly Invitae), Labcorp); PubMed 15172985 (cited by Labcorp Genetics (formerly Invitae), Labcorp); PubMed 23683081 (cited by Labcorp Genetics (formerly Invitae), Labcorp and Sema4); PubMed 25452441 (cited by Labcorp Genetics (formerly Invitae), Labcorp); PubMed 26153499 (cited by Labcorp Genetics (formerly Invitae), Labcorp); PubMed 30287823 (cited by Labcorp Genetics (formerly Invitae), Labcorp); PubMed 31112363 (cited by Labcorp Genetics (formerly Invitae), Labcorp); PubMed 32257056 (cited by Women's Health and Genetics/Laboratory Corporation of America, LabCorp); PubMed 29339979 (cited by Sema4); PubMed 23613828 (cited by Sema4); PubMed 25701377 (cited by Sema4).

NM_007294.4(BRCA1):c.5152T>G (p.Trp1718Gly)

Gene: BRCA1 (BRCA1 DNA repair associated; minus strand). Cytogenetic location: 17q21.31.
Variant type: single nucleotide variant.
Coding change: c.5152T>G on transcript NM_007294.4 (MANE Select); coding-DNA position 5152, T replaced by G.
Protein change: p.Trp1718Gly; replaces tryptophan 1718 with glycine.
Molecular consequence: missense variant. On other transcripts: non-coding transcript variant (1).
Genome position (GRCh38, 1-based): chr17:43,063,874, A>C on the plus strand (T>G on the coding strand, the complement: BRCA1 is on the minus strand). VCF-style: chr17-43063874-A-C. GRCh37 (hg19) VCF-style: chr17-41215891-A-C.
Other names: NM_007294.4(BRCA1):c.5152T>G; p.Trp1718Gly; c.4939T>G, p.Trp1647Gly (NM_001407571.1, NM_001407904.1, NM_001407906.1 and 12 more transcripts); c.5218T>G, p.Trp1740Gly (NM_001407581.1, NM_001407582.1); c.5215T>G, p.Trp1739Gly (NM_001407583.1, NM_001407585.1, NM_001407587.1 and 1 more transcripts); c.5149T>G, p.Trp1717Gly (NM_001407610.1, NM_001407611.1, NM_001407612.1 and 17 more transcripts); c.5146T>G, p.Trp1716Gly (NM_001407629.1, NM_001407630.1, NM_001407631.1 and 14 more transcripts); c.5092T>G, p.Trp1698Gly (NM_001407649.1); and 73 more; short protein forms W1718G, W1671G, W1739G, W614G, W1646G, W1713G, W1715G, W1740G.
Identifiers: ClinVar variation 627968 (VCV000627968.25), dbSNP rs1567769155, ClinGen allele CA10591241.
Genomic context (GRCh38, chr17:43,063,874, plus strand): 5'-GTGTAAAAATGCAATTCTGAGGTGTTAAAGGGAGGAGGGGAGAAATAGTATTATACTTAC[A>C]GAAATAGCTAACTACCCATTTTCCTCCCGCAATTCCTAGAAAATATTTCAGTGTCCGTTC-3'
Protein context (NP_009225.1, residues 1708-1728): AGGKWVVSYF[Trp1718Gly]VTQSIKERKM